The following is an entry in ClinVar:

NM_001042492.3(NF1):c.417_418del (p.Val141fs)

Gene: NF1 (neurofibromin 1; plus strand). Cytogenetic location: 17q11.2.
Variant type: Deletion.
Coding change: c.417_418del on transcript NM_001042492.3 (MANE Select); coding-DNA positions 417 to 418, 2 bases deleted (TG; older notation c.417_418delTG).
Protein change: p.Val141fs; shifts the reading frame from valine 141.
Molecular consequence: frameshift variant.
Genome position (GRCh38, 1-based): chr17:31,163,314-31,163,315, TG deleted. VCF-style (leftmost placement, unchanged base first): chr17-31163313-CTG-C. GRCh37 (hg19) VCF-style: chr17-29490331-CTG-C.
Other names: c.417_418delTG, p.Val141Phefs (NM_000267.4); c.417_418del, p.Val141fs (NM_001128147.3); short protein forms V141fs.
Identifiers: ClinVar variation 1451385 (VCV001451385.9), dbSNP rs2143672833, ClinGen allele CA2573153590.

ClinVar aggregate classification (germline): Pathogenic/Likely pathogenic. Review status: criteria provided, multiple submitters, no conflicts (2 of 4 stars). 3 submissions from 3 submitters: Pathogenic (2); Likely pathogenic (1). Last evaluated 2026-08-06.

Conditions:
Neurofibromatosis, type 1 (NF1). Also called: VON RECKLINGHAUSEN DISEASE; Peripheral type neurofibromatosis; NEUROFIBROMATOSIS, TYPE I, SOMATIC; Neurofibromatosis, type I. Identifiers: Orphanet 636, MedGen C0027831, MONDO:0018975, OMIM 162200. Disease mechanism: loss of function.

Submissions (3):

OLLIN Analises Genomicas, OLLIN
Classification: Likely pathogenic for Neurofibromatosis, type 1. Last evaluated: 2026-08-06. Review status: criteria provided, single submitter. Criteria: ACMG Guidelines 2015 PMID 25741868. Collection method: clinical testing. Allele origin: germline. Inheritance: Autosomal dominant inheritance.
Comment: This frameshift variant, located in exon 4 (of 58), is absent from gnomAD but has been reported in ClinVar (accession VCV001451385.8) and in the scientific literature in individuals with NF1 related disorders (PMID: 10712197, 23913538). This variant causes a frameshift and introduces a premature stop codon, which is predicted to result in either a truncated protein or degradation of the mRNA via nonsense-mediated decay (NMD). According to the currently available evidence, this variant has been classified as likely pathogenic (PVS1, PM2_P).

Labcorp Genetics (formerly Invitae), Labcorp
Classification: Pathogenic for Neurofibromatosis, type 1. Last evaluated: 2021-04-14. Review status: criteria provided, single submitter. Criteria: Invitae Variant Classification Sherloc (09022015). Collection method: clinical testing. Allele origin: germline.
Comment: For these reasons, this variant has been classified as Pathogenic. This variant has not been reported in the literature in individuals with NF1-related conditions. This variant is not present in population databases (ExAC no frequency). This sequence change creates a premature translational stop signal (p.Val141Phefs*14) in the NF1 gene. It is expected to result in an absent or disrupted protein product. Loss-of-function variants in NF1 are known to be pathogenic (PMID: 10712197, 23913538).

Juno Genomics, Hangzhou Juno Genomics, Inc
Classification: Pathogenic for Neurofibromatosis, type 1. Review status: criteria provided, single submitter. Criteria: ACMG Guidelines, 2015. Collection method: clinical testing. Allele origin: germline. Affected: yes.
Comment: Null variant in a gene where loss of function (LOF) is a known mechanism of disease.;Absent from controls (or at extremely low frequency if recessive) in Genome Aggregation Database, Exome Sequencing Project, 1000 Genomes Project, or Exome Aggregation Consortium.;Assumed de novo, but without confirmation of paternity and maternity.;Patient's phenotype or family history is highly specific for a disease with a single genetic etiology.

Literature cited by the submitters: PubMed 10712197 (cited by OLLIN Analises Genomicas, OLLIN and Labcorp Genetics (formerly Invitae), Labcorp); PubMed 23913538 (cited by OLLIN Analises Genomicas, OLLIN and Labcorp Genetics (formerly Invitae), Labcorp).